The following is an entry in ClinVar:

NM_001908.5(CTSB):c.994A>G (p.Thr332Ala)

Gene: CTSB (cathepsin B). Cytogenetic location: 8p23.1.
Variant type: single nucleotide variant.
Coding change: c.994A>G on transcript NM_001908.5 (MANE Select); coding-DNA position 994, A replaced by G.
Protein change: p.Thr332Ala; replaces threonine 332 with alanine.
Molecular consequence: missense variant.
Genome position (GRCh38, 1-based): chr8:11,845,151, T>C on the plus strand (A>G on the coding strand, the complement: CTSB is on the minus strand). VCF-style: chr8-11845151-T-C. GRCh37 (hg19) VCF-style: chr8-11702660-T-C.
Other names: c.622A>G, p.Thr208Ala (NM_001317237.2); c.994A>G, p.Thr332Ala (NM_001384714.1, NM_001384723.1, NM_001384724.1 and 8 more transcripts); c.994A>G (NM_001908.3); short protein forms T208A, T332A.
Identifiers: ClinVar variation 1462394 (VCV001462394.7), dbSNP rs752849874, ClinGen allele CA4632328.

ClinVar aggregate classification (germline): Uncertain significance. Review status: criteria provided, multiple submitters, no conflicts (2 of 4 stars). 2 submissions from 2 submitters: Uncertain significance (2). Last evaluated 2024-12-21.

Allele frequency attached by ClinVar (database versions not stated): gnomAD 0.00001; TOPMed 0.00003.
gnomAD v4.1: 31 of 1,613,692 alleles (0.0019%); highest among the groups gnomAD compares: South Asian, 0.0033%; no homozygotes.

Submissions (2):

Ambry Genetics
Classification: Uncertain significance. Last evaluated: 2024-12-21. Review status: criteria provided, single submitter. Criteria: Ambry Variant Classification Scheme 2023. Collection method: clinical testing. Allele origin: germline.

Labcorp Genetics (formerly Invitae), Labcorp
Classification: Uncertain significance. Last evaluated: 2022-03-18. Review status: criteria provided, single submitter. Criteria: Invitae Variant Classification Sherloc (09022015). Collection method: clinical testing. Allele origin: germline.
Comment: In summary, the available evidence is currently insufficient to determine the role of this variant in disease. Therefore, it has been classified as a Variant of Uncertain Significance. Algorithms developed to predict the effect of missense changes on protein structure and function output the following: SIFT: "Not Available"; PolyPhen-2: "Benign"; Align-GVGD: "Not Available". The alanine amino acid residue is found in multiple mammalian species, which suggests that this missense change does not adversely affect protein function. This variant has not been reported in the literature in individuals affected with CTSB-related conditions. This variant is present in population databases (rs752849874, gnomAD 0.006%). This sequence change replaces threonine with alanine at codon 332 of the CTSB protein (p.Thr332Ala). The threonine residue is weakly conserved and there is a small physicochemical difference between threonine and alanine.